The following is an entry in ClinVar:

ClinVar aggregate classification (germline): Uncertain significance. Review status: criteria provided, multiple submitters, no conflicts (2 of 4 stars). 3 submissions from 3 submitters: Uncertain significance (3). Last evaluated 2025-08-25.

Conditions:
Hereditary cancer-predisposing syndrome. Also called: Tumor predisposition; Hereditary Cancer Syndrome; Hereditary neoplastic syndrome; Neoplastic Syndromes, Hereditary. Identifiers: Orphanet 140162, MedGen C0027672, MeSH D009386, MONDO:0015356.
POLD1-related polyposis and colorectal cancer syndrome (CRCS10). Also called: Colorectal cancer 10; COLORECTAL CANCER, SUSCEPTIBILITY TO, ON CHROMOSOME 19q; Colorectal cancer, susceptibility to, 10. Identifiers: Orphanet 220460, MedGen C2675481, MONDO:0012953, OMIM 612591.

Allele frequency attached by ClinVar (database versions not stated): TOPMed below 0.00001; gnomAD 0.00001; gnomAD exomes 0.00001.
gnomAD v4.1: 4 of 1,613,976 alleles (0.00025%); highest among the groups gnomAD compares: Admixed American, 0.0017%; no homozygotes.

Submissions (3):

Labcorp Genetics (formerly Invitae), Labcorp
Classification: Uncertain significance for POLD1-related polyposis and colorectal cancer syndrome. Last evaluated: 2025-08-25. Review status: criteria provided, single submitter. Criteria: Invitae Variant Classification Sherloc (09022015). Collection method: clinical testing. Allele origin: germline.
Comment: This sequence change creates a premature translational stop signal (p.Gln165*) in the POLD1 gene. Missense variants that disrupt the 3'-5' exonuclease (proof-reading) activity of the POLD1 protein are associated with PPAP (polymerase proofreading–associated polyposis) (PMID: 23263490, 23447401). However, loss-of-function variants that result in an absent or severely disrupted POLD1 protein, and missense variants outside the exonuclease domain, are unlikely to be associated with PPAP. This variant is not present in population databases (gnomAD no frequency). This variant has not been reported in the literature in individuals affected with POLD1-related conditions. ClinVar contains an entry for this variant (Variation ID: 486063). In summary, the available evidence is currently insufficient to determine the role of this variant in disease. Therefore, it has been classified as a Variant of Uncertain Significance.

Ambry Genetics
Classification: Uncertain significance for Hereditary cancer-predisposing syndrome. Last evaluated: 2025-03-25. Review status: criteria provided, single submitter. Criteria: Ambry Variant Classification Scheme 2023. Collection method: clinical testing. Allele origin: germline.
Comment: The p.Q165* variant (also known as c.493C>T), located in coding exon 4 of the POLD1 gene, results from a C to T substitution at nucleotide position 493. This changes the amino acid from a glutamine to a stop codon within coding exon 4. This variant was detected in a cohort of 51 pancreatic cancer patients (Tavano F et al. Mol Med, 2023 Jan;29:14). This alteration is expected to result in protein truncation or nonsense-mediated mRNA decay. However, loss of function of POLD1 has not been established as a mechanism of disease. Based on the available evidence, the clinical significance of this alteration remains unclear.

GeneDx
Classification: Uncertain significance. Last evaluated: 2018-01-26. Review status: criteria provided, single submitter. Criteria: GeneDx Variant Classification (06012015). Collection method: clinical testing. Allele origin: germline. Affected: yes.
Comment: This variant is denoted POLD1 c.493C>T at the cDNA level and p.Gln165Ter (Q165X) at the protein level. The substitution creates a nonsense variant, which changes a Glutamine to a premature stop codon (CAA>TAA), and is predicted to cause loss of normal protein function through either protein truncation or nonsense-mediated mRNA decay. This variant has not, to our knowledge, been published in the literature. While some missense variants in POLD1 have been recognized as an underlying cause of Polymerase Proofreading-Associated Polyposis (PPAP), there are no data at this time to support that loss-of-function variants confer the same cancer risks. We therefore consider this variant to be of uncertain significance with respect to cancer.

Literature cited by the submitters: PubMed 23263490 (cited by Labcorp Genetics (formerly Invitae), Labcorp); PubMed 23447401 (cited by Labcorp Genetics (formerly Invitae), Labcorp); PubMed 36717774 (cited by Ambry Genetics).

NM_002691.4(POLD1):c.493C>T (p.Gln165Ter)

Gene: POLD1 (DNA polymerase delta 1, catalytic subunit; plus strand). Cytogenetic location: 19q13.33.
Variant type: single nucleotide variant.
Coding change: c.493C>T on transcript NM_002691.4 (MANE Select); coding-DNA position 493, C replaced by T.
Protein change: p.Gln165Ter; replaces glutamine 165 with a stop codon.
Molecular consequence: nonsense. On other transcripts: non-coding transcript variant (1).
Genome position (GRCh38, 1-based): chr19:50,402,028, C>T. VCF-style: chr19-50402028-C-T. GRCh37 (hg19) VCF-style: chr19-50905285-C-T.
Other names: c.493C>T, p.Gln165Ter (NM_001256849.1, NM_001308632.1); short protein forms Q165*.
Identifiers: ClinVar variation 486063 (VCV000486063.16), dbSNP rs1555789891, ClinGen allele CA406973007.